The following is an entry in ClinVar:

ClinVar aggregate classification (germline): Pathogenic. Review status: criteria provided, single submitter (1 of 4 stars). 2 submissions from 2 submitters: Pathogenic (1). 1 of the submissions does not count toward it. Last evaluated 2019-08-30.

Conditions:
Cataract 48. Identifiers: MedGen C5193082, MONDO:0032735, OMIM 618415.

Allele frequency attached by ClinVar (database versions not stated): gnomAD 0.00001; TOPMed 0.00001; gnomAD exomes 0.00004.
gnomAD v4.1: 62 of 1,613,592 alleles (0.0038%); highest among the groups gnomAD compares: Non-Finnish European, 0.0051%; no homozygotes.

Submissions (2):

SIB Swiss Institute of Bioinformatics
Classification: Pathogenic for Cataract 48. Last evaluated: 2019-08-30. Review status: criteria provided, single submitter. Criteria: ACMG Guidelines, 2015. Collection method: curation. Allele origin: unknown.
Comment: This variant is interpreted as a Pathogenic for Cataract 48, autosomal recessive. The following ACMG Tag(s) were applied: PM2, PVS1-Strong, PP1-Strong.

OMIM
Classification: Pathogenic for CATARACT 48. Last evaluated: 2019-05-06. Review status: no assertion criteria provided. Collection method: literature only. Allele origin: germline. Not counted in ClinVar's aggregate classification.

Literature cited by the submitters: PubMed 30290152 (cited by SIB Swiss Institute of Bioinformatics and OMIM).

NM_015221.4(DNMBP):c.811C>T (p.Arg271Ter)

Genes: DNMBP (dynamin binding protein; minus strand), DNMBP-AS1 (DNMBP antisense RNA 1; plus strand). Cytogenetic location: 10q24.2.
Variant type: single nucleotide variant.
Coding change: c.811C>T on transcript NM_015221.4 (MANE Select); coding-DNA position 811, C replaced by T.
Protein change: p.Arg271Ter; replaces arginine 271 with a stop codon.
Molecular consequence: nonsense.
Genome position (GRCh38, 1-based): chr10:99,956,663, G>A on the plus strand (C>T on the coding strand, the complement: DNMBP is on the minus strand). VCF-style: chr10-99956663-G-A. GRCh37 (hg19) VCF-style: chr10-101716420-G-A.
Other names: short protein forms R271*.
Identifiers: ClinVar variation 626917 (VCV000626917.2), dbSNP rs1564745688, ClinGen allele CA378115913.